The following is an entry in ClinVar:

NM_001605.3(AARS1):c.886C>T (p.Arg296Trp)

Gene: AARS1 (alanyl-tRNA synthetase 1; minus strand). Cytogenetic location: 16q22.1.
Variant type: single nucleotide variant.
Coding change: c.886C>T on transcript NM_001605.3 (MANE Select); coding-DNA position 886, C replaced by T.
Protein change: p.Arg296Trp; replaces arginine 296 with tryptophan.
Molecular consequence: missense variant.
Genome position (GRCh38, 1-based): chr16:70,269,694, G>A on the plus strand (C>T on the coding strand, the complement: AARS1 is on the minus strand). VCF-style: chr16-70269694-G-A. GRCh37 (hg19) VCF-style: chr16-70303597-G-A.
Other names: short protein forms R296W.
Identifiers: ClinVar variation 645163 (VCV000645163.9), dbSNP rs1225401608, ClinGen allele CA396564688.

ClinVar aggregate classification (germline): Uncertain significance. Review status: criteria provided, multiple submitters, no conflicts (2 of 4 stars). 2 submissions from 2 submitters: Uncertain significance (2). Last evaluated 2022-06-28.

Conditions:
Charcot-Marie-Tooth disease type 2. Also called: Charcot-Marie-Tooth type 2. Identifiers: Orphanet 64746, MedGen C0270914, MONDO:0018993.
Inborn genetic diseases. Identifiers: MedGen C0950123, MeSH D030342.

Allele frequency attached by ClinVar (database versions not stated): gnomAD exomes below 0.00001; TOPMed below 0.00001; gnomAD 0.00001.
gnomAD v4.1: 9 of 1,614,002 alleles (0.00056%); highest among the groups gnomAD compares: Admixed American, 0.0017%; no homozygotes.

Submissions (2):

Ambry Genetics
Classification: Uncertain significance for Inborn genetic diseases. Last evaluated: 2022-06-28. Review status: criteria provided, single submitter. Criteria: Ambry Variant Classification Scheme 2023. Collection method: clinical testing. Allele origin: germline.

Labcorp Genetics (formerly Invitae), Labcorp
Classification: Uncertain significance for Charcot-Marie-Tooth disease type 2. Last evaluated: 2018-11-15. Review status: criteria provided, single submitter. Criteria: Invitae Variant Classification Sherloc (09022015). Collection method: clinical testing. Allele origin: germline.
Comment: In summary, the available evidence is currently insufficient to determine the role of this variant in disease. Therefore, it has been classified as a Variant of Uncertain Significance. Algorithms developed to predict the effect of missense changes on protein structure and function are either unavailable or do not agree on the potential impact of this missense change (SIFT: "Deleterious"; PolyPhen-2: "Probably Damaging"; Align-GVGD: "Class C0"). This variant has not been reported in the literature in individuals with AARS-related disease. This variant is not present in population databases (ExAC no frequency). This sequence change replaces arginine with tryptophan at codon 296 of the AARS protein (p.Arg296Trp). The arginine residue is highly conserved and there is a moderate physicochemical difference between arginine and tryptophan.